The following is an entry in ClinVar:

NM_015634.4(KIFBP):c.278G>A (p.Arg93Lys)

Gene: KIFBP (kinesin family binding protein; plus strand). Cytogenetic location: 10q22.1.
Variant type: single nucleotide variant.
Coding change: c.278G>A on transcript NM_015634.4 (MANE Select); coding-DNA position 278, G replaced by A.
Protein change: p.Arg93Lys; replaces arginine 93 with lysine.
Molecular consequence: missense variant.
Genome position (GRCh38, 1-based): chr10:68,989,110, G>A. VCF-style: chr10-68989110-G-A. GRCh37 (hg19) VCF-style: chr10-70748866-G-A.
Other names: short protein forms R93K.
Identifiers: ClinVar variation 5037412 (VCV005037412.1).
Genomic context (GRCh38, chr10:68,989,110, plus strand): 5'-CCCTGGGGCTGCCGGCTGAGGTGGTGGAGCCCGAGGGGCCCGTCGCCCAGCGAGCGGTGA[G>A]GCTGGCAGTCATCGAGTTCCACCTCGGGGTGAACCACATCGACACGGAGGAGCTGTCGGC-3'
Protein context (NP_056449.1, residues 83-103): PEGPVAQRAV[Arg93Lys]LAVIEFHLGV

ClinVar aggregate classification (germline): Uncertain significance (1 of 4 stars; one submission).

Submission:

GeneDx
Classification: Uncertain significance. Last evaluated: 2026-04-23. Review status: criteria provided, single submitter. Criteria: GeneDx Variant Classification Process June 2021. Collection method: clinical testing. Allele origin: germline.
Comment: Not observed at significant frequency in large population cohorts (gnomAD); In silico analysis suggests that this missense variant does not alter protein structure/function; Has not been previously published as pathogenic or benign to our knowledge